The following is an entry in ClinVar:

NM_016953.4(PDE11A):c.114G>A (p.Trp38Ter)

Gene: PDE11A (phosphodiesterase 11A; minus strand). Cytogenetic location: 2q31.2.
Variant type: single nucleotide variant.
Coding change: c.114G>A on transcript NM_016953.4 (MANE Select); coding-DNA position 114, G replaced by A.
Protein change: p.Trp38Ter; replaces tryptophan 38 with a stop codon.
Molecular consequence: nonsense. On other transcripts: intron variant (1).
Genome position (GRCh38, 1-based): chr2:178,072,324, C>T on the plus strand (G>A on the coding strand, the complement: PDE11A is on the minus strand). VCF-style: chr2-178072324-C-T. GRCh37 (hg19) VCF-style: chr2-178937051-C-T.
Other names: c.162+31978G>A (NM_001077197.2); short protein forms W38*.
Identifiers: ClinVar variation 3347725 (VCV003347725.1).

ClinVar aggregate classification (germline): Uncertain significance (0 of 4 stars; one submission).

Conditions:
PDE11A-related disorder. Also called: PDE11A-related condition.

Submission:

PreventionGenetics, part of Exact Sciences
Classification: Uncertain significance for PDE11A-related condition. Last evaluated: 2024-08-14. Review status: no assertion criteria provided. Collection method: clinical testing. Allele origin: germline.
Comment: The PDE11A c.114G>A variant is predicted to result in premature protein termination (p.Trp38*). To our knowledge, this variant has not been reported in the literature or in a large population database, indicating this variant is rare. At this time, the clinical significance of this variant is uncertain due to the absence of conclusive functional and genetic evidence.